The following is an entry in ClinVar:

NM_031433.4(MFRP):c.668C>T (p.Thr223Met)

Genes: C1QTNF5 (C1q and TNF related 5; minus strand), MFRP (membrane frizzled-related protein; minus strand). Cytogenetic location: 11q23.3.
Variant type: single nucleotide variant.
Coding change: c.668C>T on transcript NM_031433.4 (MANE Select); coding-DNA position 668, C replaced by T.
Protein change: p.Thr223Met; replaces threonine 223 with methionine.
Molecular consequence: missense variant. On other transcripts: 5 prime UTR variant (1).
Genome position (GRCh38, 1-based): chr11:119,344,978, G>A on the plus strand (C>T on the coding strand, the complement: MFRP is on the minus strand). VCF-style: chr11-119344978-G-A. GRCh37 (hg19) VCF-style: chr11-119215688-G-A.
Other names: c.-1969C>T (NM_015645.5); short protein forms T223M.
Identifiers: ClinVar variation 1061313 (VCV001061313.9), dbSNP rs368844563, ClinGen allele CA6320450.

ClinVar aggregate classification (germline): Uncertain significance. Review status: criteria provided, multiple submitters, no conflicts (2 of 4 stars). 3 submissions from 3 submitters: Uncertain significance (3). Last evaluated 2026-04-30.

Conditions:
Isolated microphthalmia 5. Also called: Posterior Microphthalmia with Retinitis Pigmentosa, Foveoschisis, and Optic Disc Drusen. Identifiers: Orphanet 251279, MedGen C1970236, MONDO:0012605, OMIM 611040.
Inborn genetic diseases. Identifiers: MedGen C0950123, MeSH D030342.

Allele frequency attached by ClinVar (database versions not stated): ExAC 0.00006; gnomAD exomes 0.00002 and 0.00005; TOPMed 0.00002; ESP Exome Variant Server 0.00008; gnomAD 0.00003.
gnomAD v4.1: 37 of 1,607,198 alleles (0.0023%); highest among the groups gnomAD compares: Admixed American, 0.014%; no homozygotes.

Submissions (3):

Ambry Genetics
Classification: Uncertain significance for Inborn genetic diseases. Last evaluated: 2026-04-30. Review status: criteria provided, single submitter. Criteria: Ambry Variant Classification Scheme 2023. Collection method: clinical testing. Allele origin: germline.

Labcorp Genetics (formerly Invitae), Labcorp
Classification: Uncertain significance for Isolated microphthalmia 5. Last evaluated: 2022-09-27. Review status: criteria provided, single submitter. Criteria: Invitae Variant Classification Sherloc (09022015). Collection method: clinical testing. Allele origin: germline.
Comment: This sequence change replaces threonine, which is neutral and polar, with methionine, which is neutral and non-polar, at codon 223 of the MFRP protein (p.Thr223Met). This variant is present in population databases (rs368844563, gnomAD 0.02%). This variant has not been reported in the literature in individuals affected with MFRP-related conditions. ClinVar contains an entry for this variant (Variation ID: 1061313). Advanced modeling of protein sequence and biophysical properties (such as structural, functional, and spatial information, amino acid conservation, physicochemical variation, residue mobility, and thermodynamic stability) performed at Invitae indicates that this missense variant is expected to disrupt MFRP protein function. In summary, the available evidence is currently insufficient to determine the role of this variant in disease. Therefore, it has been classified as a Variant of Uncertain Significance.

Blueprint Genetics
Classification: Uncertain significance. Last evaluated: 2022-08-19. Review status: criteria provided, single submitter. Criteria: ACMG Guidelines, 2015. Collection method: clinical testing. Allele origin: germline.